The following is an entry in ClinVar:

ClinVar aggregate classification (germline): Uncertain significance. Review status: criteria provided, multiple submitters, no conflicts (2 of 4 stars). 2 submissions from 2 submitters: Uncertain significance (2). Last evaluated 2024-11-23.

Conditions:
Colorectal cancer, hereditary nonpolyposis, type 7. Identifiers: Orphanet 144, MedGen C1858380, MONDO:0013725, OMIM 614385.

Submissions (2):

Labcorp Genetics (formerly Invitae), Labcorp
Classification: Uncertain significance for Colorectal cancer, hereditary nonpolyposis, type 7. Last evaluated: 2024-11-23. Review status: criteria provided, single submitter. Criteria: Invitae Variant Classification Sherloc (09022015). Collection method: clinical testing. Allele origin: germline.
Comment: This sequence change replaces leucine, which is neutral and non-polar, with valine, which is neutral and non-polar, at codon 1282 of the MLH3 protein (p.Leu1282Val). This variant is not present in population databases (gnomAD no frequency). This variant has not been reported in the literature in individuals affected with MLH3-related conditions. ClinVar contains an entry for this variant (Variation ID: 1735454). An algorithm developed to predict the effect of missense changes on protein structure and function (PolyPhen-2) suggests that this variant is likely to be disruptive. In summary, the available evidence is currently insufficient to determine the role of this variant in disease. Therefore, it has been classified as a Variant of Uncertain Significance.

Ambry Genetics
Classification: Uncertain significance. Last evaluated: 2022-05-20. Review status: criteria provided, single submitter. Criteria: Ambry Variant Classification Scheme 2023. Collection method: clinical testing. Allele origin: germline.
Comment: The p.L1282V variant (also known as c.3844C>G), located in coding exon 8 of the MLH3 gene, results from a C to G substitution at nucleotide position 3844. The leucine at codon 1282 is replaced by valine, an amino acid with highly similar properties. This amino acid position is conserved. In addition, the in silico prediction for this alteration is inconclusive. Since supporting evidence is limited at this time, the clinical significance of this alteration remains unclear.

NM_001040108.2(MLH3):c.3844C>G (p.Leu1282Val)

Gene: MLH3 (mutL homolog 3; minus strand). Cytogenetic location: 14q24.3.
Variant type: single nucleotide variant.
Coding change: c.3844C>G on transcript NM_001040108.2 (MANE Select); coding-DNA position 3844, C replaced by G.
Protein change: p.Leu1282Val; replaces leucine 1282 with valine.
Molecular consequence: missense variant.
Genome position (GRCh38, 1-based): chr14:75,030,686, G>C on the plus strand (C>G on the coding strand, the complement: MLH3 is on the minus strand). VCF-style: chr14-75030686-G-C. GRCh37 (hg19) VCF-style: chr14-75497389-G-C.
Other names: c.3772C>G, p.Leu1258Val (NM_014381.3); short protein forms L1258V, L1282V.
Identifiers: ClinVar variation 1735454 (VCV001735454.4), dbSNP rs2139387675, ClinGen allele CA390423319.
Genomic context (GRCh38, chr14:75,030,686, plus strand): 5'-CCACAAGGACCAGAGAATCACTAGTGTCTGGAAATACAAATTCAAGGCCCAGATCTTCCA[G>C]ATTTTTGTGGTAACACCTAAAGAGATAACCTCAAATGTTAAAAAAAAAAAGAGTGCTACT-3'
Protein context (NP_001035197.1, residues 1272-1292): RRLLWCYHKN[Leu1282Val]EDLGLEFVFP